The following is an entry in ClinVar:

NM_004859.4(CLTC):c.3577C>A (p.Pro1193Thr)

Gene: CLTC (clathrin heavy chain; plus strand). Cytogenetic location: 17q23.1.
Variant type: single nucleotide variant.
Coding change: c.3577C>A on transcript NM_004859.4 (MANE Select); coding-DNA position 3577, C replaced by A.
Protein change: p.Pro1193Thr; replaces proline 1193 with threonine.
Molecular consequence: missense variant.
Genome position (GRCh38, 1-based): chr17:59,682,405, C>A. VCF-style: chr17-59682405-C-A. GRCh37 (hg19) VCF-style: chr17-57759766-C-A.
Other names: c.3589C>A, p.Pro1197Thr (NM_001288653.2); short protein forms P1197T, P1193T.
Identifiers: ClinVar variation 2128451 (VCV002128451.4), dbSNP rs2509152846, ClinGen allele CA400418127.
Genomic context (GRCh38, chr17:59,682,405, plus strand): 5'-CTGATATTCGCACTGGCTAAAACAAACCGCCTTGCAGAGTTAGAAGAATTTATCAATGGA[C>A]CAAATAATGCTCATATCCAACAAGTGGGTTTCCTTTTCAGATTTAAGAAAAACTAGTTGG-3'
Protein context (NP_004850.1, residues 1183-1203): LAELEEFING[Pro1193Thr]NNAHIQQVGD

ClinVar aggregate classification (germline): Uncertain significance (1 of 4 stars; one submission).

Submission:

Labcorp Genetics (formerly Invitae), Labcorp
Classification: Uncertain significance. Last evaluated: 2022-08-16. Review status: criteria provided, single submitter. Criteria: Invitae Variant Classification Sherloc (09022015). Collection method: clinical testing. Allele origin: germline.
Comment: Algorithms developed to predict the effect of missense changes on protein structure and function are either unavailable or do not agree on the potential impact of this missense change (SIFT: "Tolerated"; PolyPhen-2: "Not Available"; Align-GVGD: "Class C0"). This sequence change replaces proline, which is neutral and non-polar, with threonine, which is neutral and polar, at codon 1197 of the CLTC protein (p.Pro1197Thr). In summary, the available evidence is currently insufficient to determine the role of this variant in disease. Therefore, it has been classified as a Variant of Uncertain Significance. This variant is not present in population databases (gnomAD no frequency). This variant has not been reported in the literature in individuals affected with CLTC-related conditions.